The following is an entry in ClinVar:

ClinVar aggregate classification (germline): Pathogenic (1 of 4 stars; one submission).

Conditions:
Hereditary cancer-predisposing syndrome. Also called: Tumor predisposition; Hereditary Cancer Syndrome; Hereditary neoplastic syndrome; Neoplastic Syndromes, Hereditary. Identifiers: Orphanet 140162, MedGen C0027672, MeSH D009386, MONDO:0015356.

Submission:

Ambry Genetics
Classification: Pathogenic for Hereditary cancer-predisposing syndrome. Last evaluated: 2024-05-22. Review status: criteria provided, single submitter. Criteria: Ambry Variant Classification Scheme 2023. Collection method: clinical testing. Allele origin: germline.
Comment: The c.30delA pathogenic mutation, located in coding exon 2 of the PMS2 gene, results from a deletion of one nucleotide at nucleotide position 30, causing a translational frameshift with a predicted alternate stop codon (p.E10Dfs*24). This variant is considered to be rare based on population cohorts in the Genome Aggregation Database (gnomAD). This alteration is expected to result in loss of function by premature protein truncation or nonsense-mediated mRNA decay. As such, this alteration is interpreted as a disease-causing mutation.

NM_000535.7(PMS2):c.30del (p.Glu10fs)

Gene: PMS2 (PMS1 homolog 2, mismatch repair system component; minus strand). Cytogenetic location: 7p22.1.
Variant type: Deletion.
Coding change: c.30del on transcript NM_000535.7 (MANE Select); coding-DNA position 30, one base deleted (A; older notation c.30delA).
Protein change: p.Glu10fs; shifts the reading frame from glutamic acid 10.
Molecular consequence: frameshift variant. On other transcripts: 5 prime UTR variant (38), non-coding transcript variant (1), intron variant (7).
Genome position (GRCh38, 1-based): chr7:6,006,025, T deleted on the plus strand (A on the coding strand, the reverse complement: PMS2 is on the minus strand); the first of 2 consecutive T bases (chr7:6,006,025-6,006,026); deleting either gives the same sequence. VCF-style (leftmost placement, unchanged base first): chr7-6006024-GT-G. GRCh37 (hg19) VCF-style: chr7-6045655-GT-G.
Other names: c.30delA (NM_000535.5); c.-376del (NM_001322003.2, NM_001322005.2, NM_001322009.2 and 10 more transcripts); c.30del, p.Glu10fs (NM_001322006.2, NM_001322014.2, NM_001406868.1 and 10 more transcripts); c.-186del (NM_001322007.2, NM_001406876.1, NM_001406883.1 and 4 more transcripts); c.-855del (NM_001322011.2, NM_001322012.2); c.-455del (NM_001322015.2, NM_001406875.1, NM_001406877.1 and 2 more transcripts); c.216del, p.Glu72fs (NM_001406866.1); c.-402del (NM_001406880.1); and 8 more; short protein forms E10fs, E72fs.
Identifiers: ClinVar variation 3308105 (VCV003308105.1).
Genomic context (GRCh38, chr7:6,006,024, plus strand): 5'-CCTGCCCAGAGCAAATCTGATGGACTGACTTCCGATCAATAGGTTTGATGGCCTTAGCAG[GT>G]TCTGTACTAGAGAAATCAGTTACAAGAAACAAATCAAGTATTCAGCTATATATTTTCATC-3'